The following is an entry in ClinVar:

ClinVar aggregate classification (germline): Likely benign (1 of 4 stars; one submission).

Conditions:
Cutis laxa, autosomal recessive, type 2E. Also called: CUTIS LAXA, AUTOSOMAL RECESSIVE, TYPE IIE. Identifiers: MedGen C5561944, MONDO:0030337, OMIM 619451.

gnomAD v4.1: 67 of 1,613,620 alleles (0.0042%); highest among the groups gnomAD compares: African/African-American, 0.011%; no homozygotes.

Submission:

Centre for Medical Genetics,  Mumbai
Classification: Likely benign for Cutis laxa, autosomal recessive, type 2E. Last evaluated: 2026-03-05. Review status: criteria provided, single submitter. Criteria: ACMG Guidelines, 2015. Collection method: provider interpretation. Allele origin: germline. Inheritance: Autosomal recessive inheritance. Affected: no. Observed: 1 variant allele, 1 homozygote.
Comment: The variant satisfies PM2 criteria; Extremely low frequency in gnomAD population databases. However, the variant satisfies BS2 criteria.

Literature cited by the submitters: PubMed 33991472.

NM_206943.4(LTBP1):c.4367C>T (p.Thr1456Met)

Gene: LTBP1 (latent transforming growth factor beta binding protein 1; plus strand). Cytogenetic location: 2p22.3.
Variant type: single nucleotide variant.
Coding change: c.4367C>T on transcript NM_206943.4 (MANE Select); coding-DNA position 4367, C replaced by T.
Protein change: p.Thr1456Met; replaces threonine 1456 with methionine.
Molecular consequence: missense variant.
Genome position (GRCh38, 1-based): chr2:33,363,486, C>T. VCF-style: chr2-33363486-C-T. GRCh37 (hg19) VCF-style: chr2-33588553-C-T.
Other names: c.3389C>T, p.Thr1130Met (NM_000627.4); c.3263C>T, p.Thr1088Met (NM_001166264.2, NM_001394909.1); c.3230C>T, p.Thr1077Met (NM_001166265.2); c.3104C>T, p.Thr1035Met (NM_001166266.2, NM_001394920.1); c.4208C>T, p.Thr1403Met (NM_001394905.1); c.3386C>T, p.Thr1129Met (NM_001394906.1); c.3302C>T, p.Thr1101Met (NM_001394907.1); c.3269C>T, p.Thr1090Met (NM_001394908.1); and 13 more; short protein forms T1034M, T1035M, T1039M, T1040M, T1046M, T1049M, T1060M, T1076M.
Identifiers: ClinVar variation 4814173 (VCV004814173.1).
Genomic context (GRCh38, chr2:33,363,486, plus strand): 5'-GCAAAAATGGTTTCTGTTTGAACACTCGGCCTGGGTATGAATGCTACTGTAAGCAAGGGA[C>T]GTACTATGATCCTGTGAAACTGCAGTGCTTTGGTAAGCTTTAGGGGGATATAGTATGGTG-3'
Protein context (NP_996826.3, residues 1446-1466): PGYECYCKQG[Thr1456Met]YYDPVKLQCF